The following is an entry in ClinVar:

ClinVar aggregate classification (germline): Pathogenic (1 of 4 stars; one submission).

Conditions:
Congenital disorder of glycosylation type 1E (CDG1E). Also called: CONGENITAL DISORDER OF GLYCOSYLATION, TYPE Ie; CDG Ie. Identifiers: Orphanet 79322, MedGen C1837396, MONDO:0012123, OMIM 608799.

Submission:

Labcorp Genetics (formerly Invitae), Labcorp
Classification: Pathogenic for Congenital disorder of glycosylation type 1E. Last evaluated: 2018-11-01. Review status: criteria provided, single submitter. Criteria: Invitae Variant Classification Sherloc (09022015). Collection method: clinical testing. Allele origin: germline.
Comment: A gross deletion of the genomic region encompassing the full coding sequence of the DPM1 gene has been identified. The boundaries of this event are unknown as the deletion extends beyond the assayed region for this gene and therefore may encompass additional genes. This variant has not been reported in the literature in individuals with DPM1-related disease. Loss-of-function variants in DPM1 are known to be pathogenic (PMID: 10642597, 10642602). For these reasons, this variant has been classified as Pathogenic.

NC_000020.11:g.(?_50934864)_(50958574_?)del

Genes: ADNP-AS1 (ADNP antisense RNA 1; plus strand), DPM1 (dolichyl-phosphate mannosyltransferase subunit 1, catalytic; minus strand), LOC130066166 (ATAC-STARR-seq lymphoblastoid active region 18108; plus strand). Cytogenetic location: 20q13.13.
Variant type: Deletion.
Identifiers: ClinVar variation 656838 (VCV000656838.1).